The following is an entry in ClinVar:

NM_024876.4(COQ8B):c.1028G>A (p.Arg343Gln)

Gene: COQ8B (coenzyme Q8B; minus strand). Cytogenetic location: 19q13.2.
Variant type: single nucleotide variant.
Coding change: c.1028G>A on transcript NM_024876.4 (MANE Select); coding-DNA position 1028, G replaced by A.
Protein change: p.Arg343Gln; replaces arginine 343 with glutamine.
Molecular consequence: missense variant.
Genome position (GRCh38, 1-based): chr19:40,700,317, C>T on the plus strand (G>A on the coding strand, the complement: COQ8B is on the minus strand). VCF-style: chr19-40700317-C-T. GRCh37 (hg19) VCF-style: chr19-41206222-C-T.
Other names: c.905G>A, p.Arg302Gln (NM_001142555.3); short protein forms R302Q, R343Q.
Identifiers: ClinVar variation 3907737 (VCV003907737.1).
Genomic context (GRCh38, chr19:40,700,317, plus strand): 5'-GGCCCACCCGCCCTGGGGCCATGCCCTTCCCACTGTGCCACCAGACAGCATACCTGGTTC[C>T]GCAGGTCCTGGCTTAGGCCCTGGCACTGGTCCAGGGGGACCCCTCCAGCCAGCTCCATGC-3'
Protein context (NP_079152.3, residues 333-353): DQCQGLSQDL[Arg343Gln]NQICFQLLTL

ClinVar aggregate classification (germline): Uncertain significance (1 of 4 stars; one submission).

gnomAD v4.1: 50 of 1,613,538 alleles (0.0031%); highest among the groups gnomAD compares: Middle Eastern, 0.016%; no homozygotes.

Submission:

GeneDx
Classification: Uncertain significance. Last evaluated: 2024-12-30. Review status: criteria provided, single submitter. Criteria: GeneDx Variant Classification Process June 2021. Collection method: clinical testing. Allele origin: germline. Affected: yes.
Comment: Has not been previously published as pathogenic or benign to our knowledge; Not observed at a significant frequency in large population cohorts (gnomAD); In silico analysis supports that this missense variant has a deleterious effect on protein structure/function; This variant is associated with the following publications: (PMID: 29194833, 24270420)